The following is an entry in ClinVar:

NM_001005242.3(PKP2):c.2140C>T (p.Arg714Trp)

Gene: PKP2 (plakophilin 2; minus strand). Cytogenetic location: 12p11.21.
Variant type: single nucleotide variant.
Coding change: c.2140C>T on transcript NM_001005242.3 (MANE Select); coding-DNA position 2140, C replaced by T.
Protein change: p.Arg714Trp; replaces arginine 714 with tryptophan.
Molecular consequence: missense variant.
Genome position (GRCh38, 1-based): chr12:32,802,430, G>A on the plus strand (C>T on the coding strand, the complement: PKP2 is on the minus strand). VCF-style: chr12-32802430-G-A. GRCh37 (hg19) VCF-style: chr12-32955364-G-A.
Other names: c.2272C>T, p.Arg758Trp (NM_004572.4); short protein forms R714W, R758W.
Identifiers: ClinVar variation 922560 (VCV000922560.16), dbSNP rs537046857, ClinGen allele CA033953.

ClinVar aggregate classification (germline): Uncertain significance. Review status: criteria provided, multiple submitters, no conflicts (2 of 4 stars). 6 submissions from 6 submitters: Uncertain significance (6). Last evaluated 2025-09-03.

Conditions:
Cardiovascular phenotype. Identifiers: MedGen CN230736.
Arrhythmogenic right ventricular cardiomyopathy (ARVD). Also called: Arrhythmogenic cardiomyopathy; Cardiomyopathy, ARVC; Arrhythmogenic right ventricular dysplasia; Arrhythmogenic Right Ventricular Cardiomyopathy (ARVC). Identifiers: Orphanet 247, MedGen C0349788, MeSH D019571, MONDO:0016587. Disease mechanism: loss of function. Inheritance: Various modes of inheritance.
Cardiomyopathy (CMYO). Also called: Cardiomyopathies. Identifiers: Orphanet 167848, MedGen C0878544, MONDO:0004994, HP:0001638. Inheritance: Various modes of inheritance.
Arrhythmogenic right ventricular dysplasia 9 (ARVD9). Also called: Arrhythmogenic Right Ventricular Dysplasia/Cardiomyopathy 9; ARRHYTHMOGENIC RIGHT VENTRICULAR DYSPLASIA, FAMILIAL, 9. Identifiers: MedGen C1836906, MONDO:0012180, OMIM 609040.

Allele frequency attached by ClinVar (database versions not stated): gnomAD 0.00002; TOPMed 0.00002.
gnomAD v4.1: 14 of 1,613,926 alleles (0.00087%); highest among the groups gnomAD compares: East Asian, 0.0045%; no homozygotes.

Submissions (6):

Labcorp Genetics (formerly Invitae), Labcorp
Classification: Uncertain significance for Arrhythmogenic right ventricular dysplasia 9. Last evaluated: 2025-09-03. Review status: criteria provided, single submitter. Criteria: Invitae Variant Classification Sherloc (09022015). Collection method: clinical testing. Allele origin: germline.
Comment: This sequence change replaces arginine, which is basic and polar, with tryptophan, which is neutral and slightly polar, at codon 758 of the PKP2 protein (p.Arg758Trp). The frequency data for this variant in the population databases is considered unreliable, as metrics indicate poor data quality at this position in the gnomAD database. This variant has not been reported in the literature in individuals affected with PKP2-related conditions. ClinVar contains an entry for this variant (Variation ID: 922560). An algorithm developed to predict the effect of missense changes on protein structure and function (PolyPhen-2) suggests that this variant is likely to be disruptive. In summary, the available evidence is currently insufficient to determine the role of this variant in disease. Therefore, it has been classified as a Variant of Uncertain Significance.

GeneDx
Classification: Uncertain significance. Last evaluated: 2024-05-01. Review status: criteria provided, single submitter. Criteria: GeneDx Variant Classification Process June 2021. Collection method: clinical testing. Allele origin: germline. Affected: yes.
Comment: Has not been previously published as pathogenic or benign to our knowledge; Not observed at significant frequency in large population cohorts (gnomAD); In silico analysis supports that this missense variant has a deleterious effect on protein structure/function

Color Diagnostics, LLC DBA Color Health
Classification: Uncertain significance for Cardiomyopathy. Last evaluated: 2024-03-06. Review status: criteria provided, single submitter. Criteria: ACMG Guidelines, 2015. Collection method: clinical testing. Allele origin: germline.
Comment: This missense variant replaces arginine with tryptophan at codon 758 of the PKP2 protein. Computational prediction suggests that this variant may not impact protein structure and function (internally defined REVEL score threshold <= 0.5, PMID: 27666373). To our knowledge, functional studies have not been reported for this variant. This variant has not been reported in individuals affected with PKP2-related disorders in the literature. This variant has not been identified in the general population by the Genome Aggregation Database (gnomAD). The available evidence is insufficient to determine the role of this variant in disease conclusively. Therefore, this variant is classified as a Variant of Uncertain Significance.

Ambry Genetics
Classification: Uncertain significance for Cardiovascular phenotype. Last evaluated: 2023-11-25. Review status: criteria provided, single submitter. Criteria: Ambry Variant Classification Scheme 2023. Collection method: clinical testing. Allele origin: germline.
Comment: The p.R758W variant (also known as c.2272C>T), located in coding exon 11 of the PKP2 gene, results from a C to T substitution at nucleotide position 2272. The arginine at codon 758 is replaced by tryptophan, an amino acid with dissimilar properties. This amino acid position is conserved. In addition, the in silico prediction for this alteration is inconclusive. Since supporting evidence is limited at this time, the clinical significance of this alteration remains unclear.

All of Us Research Program, National Institutes of Health
Classification: Uncertain significance for Arrhythmogenic right ventricular cardiomyopathy. Last evaluated: 2023-10-06. Review status: criteria provided, single submitter. Criteria: ACMG Guidelines, 2015. Collection method: clinical testing. Allele origin: germline. Inheritance: Autosomal dominant inheritance. Observed: 3 variant alleles, 3 heterozygotes.
Comment: This missense variant replaces arginine with tryptophan at codon 758 of the PKP2 protein. Computational prediction tool suggests that this variant may not impact protein structure and function (internally defined REVEL score threshold <=0.5, PMID: 27666373). Splice site prediction tools suggest that this variant may not impact RNA splicing. To our knowledge, functional studies have not been performed for this variant. This variant has not been reported in individuals affected with cardiovascular disorders in the literature. This variant has not been identified in the general population by the Genome Aggregation Database (gnomAD). The available evidence is insufficient to determine the role of this variant in disease conclusively. Therefore, this variant is classified as a Variant of Uncertain Significance.

This study involves interpretation of variants in research participants for the purpose of population health screening. Participant phenotype was not available at the time of variant classification. Additional details can be found in publication PMID: 35346344, PMCID: PMC8962531

Fulgent Genetics
Classification: Uncertain significance for Arrhythmogenic right ventricular dysplasia 9. Last evaluated: 2021-07-20. Review status: criteria provided, single submitter. Criteria: ACMG Guidelines, 2015. Collection method: clinical testing. Allele origin: unknown.